The following is an entry in ClinVar:

NM_152564.5(VPS13B):c.1739G>A (p.Gly580Asp)

Gene: VPS13B (vacuolar protein sorting 13 homolog B; plus strand). Cytogenetic location: 8q22.2.
Variant type: single nucleotide variant.
Coding change: c.1739G>A on transcript NM_152564.5 (MANE Select); coding-DNA position 1739, G replaced by A.
Protein change: p.Gly580Asp; replaces glycine 580 with aspartic acid.
Molecular consequence: missense variant.
Genome position (GRCh38, 1-based): chr8:99,143,061, G>A. VCF-style: chr8-99143061-G-A. GRCh37 (hg19) VCF-style: chr8-100155289-G-A.
Other names: c.1739G>A, p.Gly580Asp (NM_017890.5, NM_015243.3); short protein forms G580D.
Identifiers: ClinVar variation 2078297 (VCV002078297.4), dbSNP rs2488786294, ClinGen allele CA371863973.

ClinVar aggregate classification (germline): Uncertain significance (1 of 4 stars; one submission).

Conditions:
Cohen syndrome (COH1). Also called: PEPPER SYNDROME; Cutis verticis gyrata, retinitis pigmentosa, and sensorineural deafness. Identifiers: Orphanet 193, MedGen C0265223, MONDO:0008999, OMIM 216550.

Submission:

Labcorp Genetics (formerly Invitae), Labcorp
Classification: Uncertain significance for Cohen syndrome. Last evaluated: 2023-12-06. Review status: criteria provided, single submitter. Criteria: Invitae Variant Classification Sherloc (09022015). Collection method: clinical testing. Allele origin: germline.
Comment: This sequence change replaces glycine, which is neutral and non-polar, with aspartic acid, which is acidic and polar, at codon 580 of the VPS13B protein (p.Gly580Asp). This variant is not present in population databases (gnomAD no frequency). This variant has not been reported in the literature in individuals affected with VPS13B-related conditions. ClinVar contains an entry for this variant (Variation ID: 2078297). Advanced modeling of protein sequence and biophysical properties (such as structural, functional, and spatial information, amino acid conservation, physicochemical variation, residue mobility, and thermodynamic stability) performed at Invitae indicates that this missense variant is expected to disrupt VPS13B protein function with a positive predictive value of 80%. In summary, the available evidence is currently insufficient to determine the role of this variant in disease. Therefore, it has been classified as a Variant of Uncertain Significance.